The following is an entry in ClinVar:

ClinVar aggregate classification (germline): Uncertain significance (1 of 4 stars; one submission).

Conditions:
Global developmental delay, absent or hypoplastic corpus callosum, and dysmorphic facies (GDACCF). Identifiers: MedGen C4310644, MONDO:0014994, OMIM 617260.

Submission:

Victorian Clinical Genetics Services, Murdoch Childrens Research Institute
Classification: Uncertain significance for Global developmental delay, absent or hypoplastic corpus callosum, and dysmorphic facies. Last evaluated: 2023-07-17. Review status: criteria provided, single submitter. Criteria: ACMG Guidelines, 2015. Collection method: clinical testing. Allele origin: germline. Inheritance: Autosomal dominant inheritance. Affected: yes.
Comment: Based on the classification scheme VCGS_Germline_v1.3.4, this variant is classified as VUS-3A. Following criteria are met: 0105 - The mechanism of disease for this gene is not clearly established. Only variants predicted to result in truncated proteins have been reported and no functional studies have been performed to assess the disease mechanism (PMIDs: 27964749, 36444493). (I) 0107 - This gene is associated with autosomal dominant disease. (I) 0201 - Variant is predicted to cause nonsense-mediated decay (NMD) and loss of protein (premature termination codon is located at least 54 nucleotides upstream of the final exon-exon junction). (SP) 0251 - This variant is heterozygous. (I) 0301 - Variant is absent from gnomAD (both v2 and v3). (SP) 0705 - No comparable NMD-predicted variants have previous evidence for pathogenicity. (I) 0807 - This variant has no previous evidence of pathogenicity. (I) 0905 - No published segregation evidence has been identified for this variant. (I) 1007 - No published functional evidence has been identified for this variant. (SP) Legend: (SP) - Supporting pathogenic, (I) - Information, (SB) - Supporting benign

Literature cited by the submitters: PubMed 27964749; PubMed 36444493.

NM_021964.3(ZNF148):c.528C>A (p.Cys176Ter)

Gene: ZNF148 (zinc finger protein 148; minus strand). Cytogenetic location: 3q21.2.
Variant type: single nucleotide variant.
Coding change: c.528C>A on transcript NM_021964.3 (MANE Select); coding-DNA position 528, C replaced by A.
Protein change: p.Cys176Ter; replaces cysteine 176 with a stop codon.
Molecular consequence: nonsense.
Genome position (GRCh38, 1-based): chr3:125,279,179, G>T on the plus strand (C>A on the coding strand, the complement: ZNF148 is on the minus strand). VCF-style: chr3-125279179-G-T. GRCh37 (hg19) VCF-style: chr3-124998023-G-T.
Other names: c.528C>A, p.Cys176Ter (NM_001348424.1, NM_001348425.2, NM_001348426.2 and 8 more transcripts); c.402C>A, p.Cys134Ter (NM_001348434.2); short protein forms C134*, C176*.
Identifiers: ClinVar variation 3254943 (VCV003254943.1), dbSNP rs2472795521.
Genomic context (GRCh38, chr3:125,279,179, plus strand): 5'-AATACCTGTATGAATGAAGACATGTCTCTGTAAGTGATAGTTCGTTCTAAAGGCAGCATT[G>T]CAGTGCTCACAAACGTGAGATTTAGGGGTTTTCAAACCAAGTGATCCATCCTCATTTATT-3'